The following is an entry in ClinVar:

ClinVar aggregate classification (germline): Pathogenic. Review status: criteria provided, multiple submitters, no conflicts (2 of 4 stars). 2 submissions from 2 submitters: Pathogenic (2). Last evaluated 2025-02-12.

Conditions:
LAMA2-related muscular dystrophy (LAMA2-RD). Also called: Laminin alpha 2-related dystrophy. Identifiers: MedGen C5679788, MONDO:0100228.

Submissions (2):

Myriad Genetics, Inc.
Classification: Pathogenic for LAMA2-related muscular dystrophy. Last evaluated: 2025-02-12. Review status: criteria provided, single submitter. Criteria: Myriad Autosomal Dominant, Autosomal Recessive and X-Linked Classification Criteria (2023). Collection method: clinical testing. Allele origin: unknown.
Comment: NM_000426.3(LAMA2):c.7623delT(V2542Cfs*5) is expected to be pathogenic in the context of muscular dystrophy, LAMA2-related. This variant is predicted to lead to an abnormal or absent protein product due to the creation of a premature termination codon in LAMA2, a gene where loss-of-function variants are known to be pathogenic. Please note: this variant was assessed in the context of healthy population screening.

Labcorp Genetics (formerly Invitae), Labcorp
Classification: Pathogenic for LAMA2-related muscular dystrophy. Last evaluated: 2020-01-30. Review status: criteria provided, single submitter. Criteria: Invitae Variant Classification Sherloc (09022015). Collection method: clinical testing. Allele origin: germline.
Comment: For these reasons, this variant has been classified as Pathogenic. Loss-of-function variants in LAMA2 are known to be pathogenic (PMID: 18700894). This variant has not been reported in the literature in individuals with LAMA2-related conditions. This variant is not present in population databases (ExAC no frequency). This sequence change creates a premature translational stop signal (p.Val2542Cysfs*5) in the LAMA2 gene. It is expected to result in an absent or disrupted protein product.

Literature cited by the submitters: PubMed 18700894 (cited by Labcorp Genetics (formerly Invitae), Labcorp).

NM_000426.4(LAMA2):c.7623del (p.Val2542fs)

Gene: LAMA2 (laminin subunit alpha 2; plus strand). Cytogenetic location: 6q22.33.
Variant type: Deletion.
Coding change: c.7623del on transcript NM_000426.4 (MANE Select); coding-DNA position 7623, one base deleted (T; older notation c.7623delT).
Protein change: p.Val2542fs; shifts the reading frame from valine 2542.
Molecular consequence: frameshift variant.
Genome position (GRCh38, 1-based): chr6:129,481,313, T deleted. VCF-style (leftmost placement, unchanged base first): chr6-129481312-CT-C. GRCh37 (hg19) VCF-style: chr6-129802457-CT-C.
Other names: c.7611del, p.Val2538fs (NM_001079823.2); short protein forms V2542fs, V2538fs.
Identifiers: ClinVar variation 835405 (VCV000835405.10), dbSNP rs1784334715, ClinGen allele CA916081488.
Genomic context (GRCh38, chr6:129,481,312, plus strand): 5'-TTTACTCACAGAATGTTTACACAGTTAGCTTTCCTAAGCCTGGTTTTGTGGAGCTCTCCC[CT>C]GTGCCAATTGATGTAGGAACAGAAATCAACCTGTCATTCAGCACCAAGAATGAGTCCGGC-3'